The following is an entry in ClinVar:

ClinVar aggregate classification (germline): Uncertain significance (1 of 4 stars; one submission).

gnomAD v4.1: 8 of 1,614,124 alleles (0.0005%); highest among the groups gnomAD compares: African/African-American, 0.0013%; no homozygotes.

Submission:

Labcorp Genetics (formerly Invitae), Labcorp
Classification: Uncertain significance. Last evaluated: 2025-07-02. Review status: criteria provided, single submitter. Criteria: Invitae Variant Classification Sherloc (09022015). Collection method: clinical testing. Allele origin: germline.
Comment: This sequence change replaces histidine, which is basic and polar, with arginine, which is basic and polar, at codon 2876 of the ANK3 protein (p.His2876Arg). This variant is present in population databases (rs369495151, gnomAD 0.002%). This variant has not been reported in the literature in individuals affected with ANK3-related conditions. Invitae Evidence Modeling of protein sequence and biophysical properties (such as structural, functional, and spatial information, amino acid conservation, physicochemical variation, residue mobility, and thermodynamic stability) indicates that this missense variant is not expected to disrupt ANK3 protein function with a negative predictive value of 80%. In summary, the available evidence is currently insufficient to determine the role of this variant in disease. Therefore, it has been classified as a Variant of Uncertain Significance.

NM_020987.5(ANK3):c.8627A>G (p.His2876Arg)

Gene: ANK3 (ankyrin 3; minus strand). Cytogenetic location: 10q21.2.
Variant type: single nucleotide variant.
Coding change: c.8627A>G on transcript NM_020987.5 (MANE Select); coding-DNA position 8627, A replaced by G.
Protein change: p.His2876Arg; replaces histidine 2876 with arginine.
Molecular consequence: missense variant. On other transcripts: intron variant (4).
Genome position (GRCh38, 1-based): chr10:60,072,254, T>C on the plus strand (A>G on the coding strand, the complement: ANK3 is on the minus strand). VCF-style: chr10-60072254-T-C. GRCh37 (hg19) VCF-style: chr10-61832012-T-C.
Other names: c.1808-4245A>G (NM_001149.4); c.4388-4245A>G (NM_001204403.2); c.4409-4245A>G (NM_001204404.2); c.4406-4245A>G (NM_001320874.2); short protein forms H2876R.
Identifiers: ClinVar variation 4759991 (VCV004759991.1).